The following is an entry in ClinVar:

NM_001374736.1(DST):c.20551-3A>C

Gene: DST (dystonin; minus strand). Cytogenetic location: 6p12.1.
Variant type: single nucleotide variant.
Coding change: c.20551-3A>C on transcript NM_001374736.1 (MANE Select); 3 bases into the intron before coding-DNA position 20551, A replaced by C.
Molecular consequence: intron variant.
Genome position (GRCh38, 1-based): chr6:56,492,436, T>G on the plus strand (A>C on the coding strand, the complement: DST is on the minus strand). VCF-style: chr6-56492436-T-G. GRCh37 (hg19) VCF-style: chr6-56357234-T-G.
Other names: c.14194-3A>C (NM_001144769.5); c.20551-3A>C (NM_001374722.1); c.20578-3A>C (NM_001374734.1); c.13780-3A>C (NM_001144770.2); c.13333-3A>C (NM_001374730.1); c.13660-3A>C (NM_001386100.1, NM_183380.4); c.19591-3A>C (NM_001374729.1); c.12682-3A>C (NM_015548.5).
Identifiers: ClinVar variation 864316 (VCV000864316.9), dbSNP rs1192992788, ClinGen allele CA567637804.

ClinVar aggregate classification (germline): Uncertain significance. Review status: criteria provided, multiple submitters, no conflicts (2 of 4 stars). 2 submissions from 2 submitters: Uncertain significance (2). Last evaluated 2021-08-04.

Conditions:
Hereditary sensory and autonomic neuropathy type 6. Also called: HSAN VI; Neuropathy, hereditary sensory and autonomic, type VI. Identifiers: Orphanet 314381, MedGen C3539003, MONDO:0013839, OMIM 614653.
Epidermolysis bullosa simplex 3, localized or generalized intermediate, with BP230 deficiency (EBS3). Also called: Epidermolysis bullosa simplex, autosomal recessive 2; Epidermolysis bullosa simplex due to BP230 deficiency. Identifiers: Orphanet 412181, MedGen C3809470, MONDO:0014180, OMIM 615425.
Inborn genetic diseases. Identifiers: MedGen C0950123, MeSH D030342.

Allele frequency attached by ClinVar (database versions not stated): gnomAD 0.00001; TOPMed 0.00002.
gnomAD v4.1: 18 of 1,604,932 alleles (0.0011%); highest among the groups gnomAD compares: Non-Finnish European, 0.0015%; no homozygotes.

Submissions (2):

Ambry Genetics
Classification: Uncertain significance for Inborn genetic diseases. Last evaluated: 2021-08-04. Review status: criteria provided, single submitter. Criteria: Ambry Variant Classification Scheme 2023. Collection method: clinical testing. Allele origin: germline.
Comment: The c.14194-3A>C intronic variant results from an A to C substitution 3 nucleotides upstream from coding exon 79 in the DST gene. This nucleotide position is highly conserved in available vertebrate species. In silico splice site analysis predicts that this alteration will not have any significant effect on splicing. Since supporting evidence is limited at this time, the clinical significance of this alteration remains unclear.

Labcorp Genetics (formerly Invitae), Labcorp
Classification: Uncertain significance for Epidermolysis bullosa simplex 3, localized or generalized intermediate, with BP230 deficiency; Hereditary sensory and autonomic neuropathy type 6. Last evaluated: 2020-11-13. Review status: criteria provided, single submitter. Criteria: Invitae Variant Classification Sherloc (09022015). Collection method: clinical testing. Allele origin: germline.
Comment: Nucleotide substitutions within the consensus splice site are a relatively common cause of aberrant splicing (PMID: 17576681, 9536098). Algorithms developed to predict the effect of sequence changes on RNA splicing suggest that this variant may create or strengthen a splice site, but this prediction has not been confirmed by published transcriptional studies. In summary, the available evidence is currently insufficient to determine the role of this variant in disease. Therefore, it has been classified as a Variant of Uncertain Significance. This variant has not been reported in the literature in individuals with DST-related conditions. This variant is not present in population databases (ExAC no frequency). This sequence change falls in intron 65 of the DST gene. It does not directly change the encoded amino acid sequence of the DST protein, but it affects a nucleotide within the consensus splice site of the intron. The DST gene has multiple clinically relevant transcripts. The c.12682-3A>C variant occurs in alternate transcript NM_015548.4, which corresponds to c.*123081A>C in¬†NM_001723.5, the primary transcript listed in the Methods.

Literature cited by the submitters: PubMed 17576681 (cited by Labcorp Genetics (formerly Invitae), Labcorp); PubMed 9536098 (cited by Labcorp Genetics (formerly Invitae), Labcorp).